The following is an entry in ClinVar:

ClinVar aggregate classification (germline): Pathogenic. Review status: criteria provided, multiple submitters, no conflicts (2 of 4 stars). 2 submissions from 2 submitters: Pathogenic (2). Last evaluated 2024-10-17.

Submissions (2):

Labcorp Genetics (formerly Invitae), Labcorp
Classification: Pathogenic. Last evaluated: 2024-10-17. Review status: criteria provided, single submitter. Criteria: Invitae Variant Classification Sherloc (09022015). Collection method: clinical testing. Allele origin: germline.
Comment: This sequence change creates a premature translational stop signal (p.Gln1371Lysfs*5) in the SPTA1 gene. It is expected to result in an absent or disrupted protein product. Loss-of-function variants in SPTA1 are known to be pathogenic (PMID: 9192783, 18815189, 31333484, 31723846, 32266426). This variant is not present in population databases (gnomAD no frequency). This premature translational stop signal has been observed in individual(s) with hereditary spherocytosis (PMID: 32266426). For these reasons, this variant has been classified as Pathogenic.

Revvity Omics, Revvity
Classification: Pathogenic. Last evaluated: 2024-08-02. Review status: criteria provided, single submitter. Criteria: ACMG Guidelines, 2015. Collection method: clinical testing. Allele origin: germline.

Literature cited by the submitters: PubMed 9192783 (cited by Labcorp Genetics (formerly Invitae), Labcorp); PubMed 18815189 (cited by Labcorp Genetics (formerly Invitae), Labcorp); PubMed 31333484 (cited by Labcorp Genetics (formerly Invitae), Labcorp); PubMed 31723846 (cited by Labcorp Genetics (formerly Invitae), Labcorp); PubMed 32266426 (cited by Labcorp Genetics (formerly Invitae), Labcorp).

NM_003126.4(SPTA1):c.4110del (p.Gln1371fs)

Gene: SPTA1 (spectrin alpha, erythrocytic 1; minus strand). Cytogenetic location: 1q23.1.
Variant type: Deletion.
Coding change: c.4110del on transcript NM_003126.4 (MANE Select); coding-DNA position 4110, one base deleted (T; older notation c.4110delT).
Protein change: p.Gln1371fs; shifts the reading frame from glutamine 1371.
Molecular consequence: frameshift variant.
Genome position (GRCh38, 1-based): chr1:158,645,272, A deleted on the plus strand (T on the coding strand, the reverse complement: SPTA1 is on the minus strand); the first of 2 consecutive A bases (chr1:158,645,272-158,645,273); deleting either gives the same sequence. VCF-style (leftmost placement, unchanged base first): chr1-158645271-GA-G. GRCh37 (hg19) VCF-style: chr1-158615061-GA-G.
Other names: short protein forms Q1371fs.
Identifiers: ClinVar variation 3613277 (VCV003613277.3).
Genomic context (GRCh38, chr1:158,645,271, plus strand): 5'-GGATCTTCTTGCGTTTTTCCCAAGCCTTCTCCAAATCATCTCTCTCTAGCTTGACAGCTT[GA>G]AGCTTTTTTTCAATTTCAGGGCTAGCATGGTGCCCACTGTCGATAAGTTCTGCACTGAAG-3'